The following is an entry in ClinVar:

NM_001384140.1(PCDH15):c.3043G>A (p.Val1015Met)

Gene: PCDH15 (protocadherin related 15; minus strand). Cytogenetic location: 10q21.1.
Variant type: single nucleotide variant.
Coding change: c.3043G>A on transcript NM_001384140.1 (MANE Select); coding-DNA position 3043, G replaced by A.
Protein change: p.Val1015Met; replaces valine 1015 with methionine.
Molecular consequence: missense variant.
Genome position (GRCh38, 1-based): chr10:53,959,811, C>T on the plus strand (G>A on the coding strand, the complement: PCDH15 is on the minus strand). VCF-style: chr10-53959811-C-T. GRCh37 (hg19) VCF-style: chr10-55719571-C-T.
Other names: c.3079G>A, p.Val1027Met (NM_001142769.4); c.3043G>A, p.Val1015Met (NM_001142770.3, NM_001142772.2, NM_001354420.2 and 4 more transcripts); c.3058G>A, p.Val1020Met (NM_001142771.2, NM_001142763.2); c.2977G>A, p.Val993Met (NM_001142773.2, NM_001354404.2, NM_001142768.2); c.3064G>A, p.Val1022Met (NM_001354411.2); c.2830G>A, p.Val944Met (NM_001142765.2); c.2932G>A, p.Val978Met (NM_001142767.2); short protein forms V1015M, V1020M, V1022M, V1027M, V944M, V978M, V993M.
Identifiers: ClinVar variation 3342125 (VCV003342125.16).

ClinVar aggregate classification (germline): Uncertain significance (1 of 4 stars; one submission).

Submission:

CeGaT Center for Human Genetics Tuebingen
Classification: Uncertain significance. Last evaluated: 2024-08-01. Review status: criteria provided, single submitter. Criteria: CeGaT Center For Human Genetics Tuebingen Variant Classification Criteria Version 2. Collection method: clinical testing. Allele origin: germline. Affected: yes. Observed: 1 variant allele.
Comment: PCDH15: PM2